The following is an entry in ClinVar:

ClinVar aggregate classification (germline): Uncertain significance (1 of 4 stars; one submission).

Conditions:
ITPR3-related disorder. Also called: ITPR3-related condition.

gnomAD v4.1: 24 of 1,613,924 alleles (0.0015%); highest among the groups gnomAD compares: Non-Finnish European, 0.0019%; no homozygotes.

Submission:

PreventionGenetics, part of Exact Sciences
Classification: Uncertain significance for ITPR3-related condition. Last evaluated: 2026-06-01. Review status: criteria provided, single submitter. Criteria: ACMG Guidelines, 2015. Collection method: clinical testing. Allele origin: germline.
Comment: The ITPR3 c.6044G>A variant is predicted to result in the amino acid substitution p.Arg2015Gln. To our knowledge, this variant has not been reported in the literature. This variant is reported in 0.00088% of alleles in individuals of European (non-Finnish) descent in gnomAD. At this time, the clinical significance of this variant is uncertain due to the absence of conclusive functional and genetic evidence.

NM_002224.4(ITPR3):c.6044G>A (p.Arg2015Gln)

Gene: ITPR3 (inositol 1,4,5-trisphosphate receptor type 3; plus strand). Cytogenetic location: 6p21.31.
Variant type: single nucleotide variant.
Coding change: c.6044G>A on transcript NM_002224.4 (MANE Select); coding-DNA position 6044, G replaced by A.
Protein change: p.Arg2015Gln; replaces arginine 2015 with glutamine.
Molecular consequence: missense variant.
Genome position (GRCh38, 1-based): chr6:33,687,073, G>A. VCF-style: chr6-33687073-G-A. GRCh37 (hg19) VCF-style: chr6-33654850-G-A.
Other names: short protein forms R2015Q.
Identifiers: ClinVar variation 4979705 (VCV004979705.1).